The following is an entry in ClinVar:

ClinVar aggregate classification (germline): Conflicting classifications of pathogenicity. Review status: criteria provided, conflicting classifications (1 of 4 stars). 5 submissions from 5 submitters: Uncertain significance (4); Benign (1). Last evaluated 2026-05-01.

Conditions:
KIT-related disorder. Also called: KIT-related condition.
Hereditary cancer-predisposing syndrome. Also called: Hereditary Cancer Syndrome; Tumor predisposition; Neoplastic Syndromes, Hereditary; Hereditary neoplastic syndrome. Identifiers: Orphanet 140162, MedGen C0027672, MeSH D009386, MONDO:0015356.
Gastrointestinal stromal tumor. Also called: Gastrointestinal stromal tumor, somatic; Gastrointestinal stroma tumor. Identifiers: Orphanet 44890, MedGen C0238198, MeSH D046152, MONDO:0011719, OMIM 606764, HP:0100723.
Piebaldism. Also called: Piebald skin depigmentation. Identifiers: Orphanet 2884, MedGen C0080024, MONDO:0008244, OMIM 172800, HP:0007544.
Acute myeloid leukemia (AML). Also called: Leukemia, acute myeloid, somatic; Leukemia, acute myelogenous, somatic; Acute myeloid leukemia, adult; AML adult; Acute non-lymphocytic leukemia; Acute granulocytic leukemia. Identifiers: Orphanet 519, MedGen C0023467, MeSH D015470, MONDO:0018874, OMIM 601626, HP:0004808. Disease mechanism: Constitutively activated FLT3.
Malignant tumor of testis. Also called: Testicular cancer. Identifiers: MedGen C0153594, MONDO:0005447.
Mastocytosis. Also called: Mast Cell Disease. Identifiers: Orphanet 98292, MedGen C0024899, MONDO:0007950, HP:0100495.

Allele frequency attached by ClinVar (database versions not stated): TOPMed 0.00002; gnomAD exomes 0.00004; ExAC 0.00006.
gnomAD v4.1: 14 of 1,613,632 alleles (0.00087%); highest among the groups gnomAD compares: Admixed American, 0.015%; no homozygotes.

Submissions (5):

PreventionGenetics, part of Exact Sciences
Classification: Uncertain significance for KIT-related condition. Last evaluated: 2026-05-01. Review status: criteria provided, single submitter. Criteria: ACMG Guidelines, 2015. Collection method: clinical testing. Allele origin: germline.
Comment: The KIT c.2104C>G variant is predicted to result in the amino acid substitution p.Leu702Val. To our knowledge, this variant has not been reported in the literature. This variant is reported in 0.020% of alleles in individuals of Latino descent in gnomAD and is interpreted as a variant of uncertain significance in ClinVar (Variation ID: 409779). At this time, the clinical significance of this variant is uncertain due to the absence of conclusive functional and genetic evidence.

Labcorp Genetics (formerly Invitae), Labcorp
Classification: Uncertain significance for Gastrointestinal stromal tumor. Last evaluated: 2025-12-30. Review status: criteria provided, single submitter. Criteria: Invitae Variant Classification Sherloc (09022015). Collection method: clinical testing. Allele origin: germline.
Comment: This sequence change replaces leucine, which is neutral and non-polar, with valine, which is neutral and non-polar, at codon 702 of the KIT protein (p.Leu702Val). This variant is present in population databases (rs768847037, gnomAD 0.02%). This variant has not been reported in the literature in individuals affected with KIT-related conditions. ClinVar contains an entry for this variant (Variation ID: 409779). An algorithm developed to predict the effect of missense changes on protein structure and function (PolyPhen-2) suggests that this variant is likely to be tolerated. In summary, the available evidence is currently insufficient to determine the role of this variant in disease. Therefore, it has been classified as a Variant of Uncertain Significance.

Ambry Genetics
Classification: Benign for Hereditary cancer-predisposing syndrome. Last evaluated: 2024-10-28. Review status: criteria provided, single submitter. Criteria: Ambry Variant Classification Scheme 2023. Collection method: clinical testing. Allele origin: germline.

GeneDx
Classification: Uncertain significance. Last evaluated: 2024-02-02. Review status: criteria provided, single submitter. Criteria: GeneDx Variant Classification Process June 2021. Collection method: clinical testing. Allele origin: germline. Affected: yes.
Comment: In silico analysis supports that this missense variant does not alter protein structure/function; Has not been previously published as pathogenic or benign to our knowledge

Fulgent Genetics
Classification: Uncertain significance for Cutaneous mastocytosis; Piebaldism; Germ cell tumor of testis; Acute myeloid leukemia; Gastrointestinal stromal tumor. Last evaluated: 2018-10-31. Review status: criteria provided, single submitter. Criteria: ACMG Guidelines, 2015. Collection method: clinical testing. Allele origin: unknown.

NM_000222.3(KIT):c.2104C>G (p.Leu702Val)

Gene: KIT (KIT proto-oncogene, receptor tyrosine kinase; plus strand). Cytogenetic location: 4q12.
Variant type: single nucleotide variant.
Coding change: c.2104C>G on transcript NM_000222.3 (MANE Select); coding-DNA position 2104, C replaced by G.
Protein change: p.Leu702Val; replaces leucine 702 with valine.
Molecular consequence: missense variant.
Genome position (GRCh38, 1-based): chr4:54,729,448, C>G. VCF-style: chr4-54729448-C-G. GRCh37 (hg19) VCF-style: chr4-55595614-C-G.
Other names: c.2092C>G, p.Leu698Val (NM_001093772.2, NM_001385286.1); c.2107C>G, p.Leu703Val (NM_001385284.1, NM_001385290.1); c.2104C>G, p.Leu702Val (NM_001385285.1); c.2095C>G, p.Leu699Val (NM_001385288.1, NM_001385292.1); short protein forms L702V, L698V, L699V, L703V.
Identifiers: ClinVar variation 409779 (VCV000409779.18), dbSNP rs768847037, ClinGen allele CA2923646.